The following is an entry in ClinVar:

ClinVar aggregate classification (germline): Uncertain significance (1 of 4 stars; one submission).

Allele frequency attached by ClinVar (database versions not stated): gnomAD exomes 0.00006; ExAC 0.00007; gnomAD 0.00007; TOPMed 0.00008; 1000 Genomes Project 0.00020.
gnomAD v4.1: 106 of 1,613,998 alleles (0.0066%); highest among the groups gnomAD compares: Middle Eastern, 0.033%; no homozygotes.

Submission:

Labcorp Genetics (formerly Invitae), Labcorp
Classification: Uncertain significance. Last evaluated: 2022-08-16. Review status: criteria provided, single submitter. Criteria: Invitae Variant Classification Sherloc (09022015). Collection method: clinical testing. Allele origin: germline.
Comment: This sequence change replaces proline, which is neutral and non-polar, with leucine, which is neutral and non-polar, at codon 343 of the PRKN protein (p.Pro343Leu). This variant is present in population databases (rs529808032, gnomAD 0.02%). This missense change has been observed in individual(s) with Parkinson disease (PMID: 32442813). Algorithms developed to predict the effect of missense changes on protein structure and function are either unavailable or do not agree on the potential impact of this missense change (SIFT: "Tolerated"; PolyPhen-2: "Probably Damaging"; Align-GVGD: "Class C0"). In summary, the available evidence is currently insufficient to determine the role of this variant in disease. Therefore, it has been classified as a Variant of Uncertain Significance.

Literature cited by the submitters: PubMed 32442813.

NM_004562.3(PRKN):c.1028C>T (p.Pro343Leu)

Gene: PRKN (parkin RBR E3 ubiquitin protein ligase; minus strand). Cytogenetic location: 6q26.
Variant type: single nucleotide variant.
Coding change: c.1028C>T on transcript NM_004562.3 (MANE Select); coding-DNA position 1028, C replaced by T.
Protein change: p.Pro343Leu; replaces proline 343 with leucine.
Molecular consequence: missense variant.
Genome position (GRCh38, 1-based): chr6:161,548,909, G>A on the plus strand (C>T on the coding strand, the complement: PRKN is on the minus strand). VCF-style: chr6-161548909-G-A. GRCh37 (hg19) VCF-style: chr6-161969941-G-A.
Other names: c.944C>T, p.Pro315Leu (NM_013987.3); c.581C>T, p.Pro194Leu (NM_013988.3); short protein forms P315L, P343L, P194L.
Identifiers: ClinVar variation 2082616 (VCV002082616.1), dbSNP rs529808032, ClinGen allele CA4090072.